The following is an entry in ClinVar:

ClinVar aggregate classification (germline): Uncertain significance (0 of 4 stars; one submission).

Conditions:
SQSTM1-related disorder. Also called: SQSTM1-Related Disorders.

Submission:

PreventionGenetics, part of Exact Sciences
Classification: Uncertain significance for SQSTM1-related condition. Last evaluated: 2024-09-20. Review status: no assertion criteria provided. Collection method: clinical testing. Allele origin: germline.
Comment: The SQSTM1 c.781C>T variant is predicted to result in the amino acid substitution p.His261Tyr. To our knowledge, this variant has not been reported in the literature or in a large population database, indicating this variant is rare. At this time, the clinical significance of this variant is uncertain due to the absence of conclusive functional and genetic evidence.

NM_003900.5(SQSTM1):c.781C>T (p.His261Tyr)

Gene: SQSTM1 (sequestosome 1; plus strand). Cytogenetic location: 5q35.3.
Variant type: single nucleotide variant.
Coding change: c.781C>T on transcript NM_003900.5 (MANE Select); coding-DNA position 781, C replaced by T.
Protein change: p.His261Tyr; replaces histidine 261 with tyrosine.
Molecular consequence: missense variant.
Genome position (GRCh38, 1-based): chr5:179,833,058, C>T. VCF-style: chr5-179833058-C-T. GRCh37 (hg19) VCF-style: chr5-179260058-C-T.
Other names: c.529C>T, p.His177Tyr (NM_001142298.2, NM_001142299.2); short protein forms H177Y, H261Y.
Identifiers: ClinVar variation 3347866 (VCV003347866.1).
Genomic context (GRCh38, chr5:179,833,058, plus strand): 5'-CTTCACGGCTTGCTCTTTCCTCCTCCGCCTCTAGGCATTGAAGTTGATATCGATGTGGAG[C>T]ACGGAGGGAAAAGAAGCCGCCTGACCCCCGTCTCTCCAGAGAGTTCCAGCACAGAGGAGA-3'
Protein context (NP_003891.1, residues 251-271): LGIEVDIDVE[His261Tyr]GGKRSRLTPV